The following is an entry in ClinVar:

ClinVar aggregate classification (germline): Uncertain significance. Review status: criteria provided, multiple submitters, no conflicts (2 of 4 stars). 2 submissions from 2 submitters: Uncertain significance (2). Last evaluated 2025-03-21.

Conditions:
Hereditary cancer-predisposing syndrome. Also called: Tumor predisposition; Hereditary Cancer Syndrome; Neoplastic Syndromes, Hereditary; Hereditary neoplastic syndrome. Identifiers: Orphanet 140162, MedGen C0027672, MeSH D009386, MONDO:0015356.

Submissions (2):

GeneDx
Classification: Uncertain significance. Last evaluated: 2025-03-21. Review status: criteria provided, single submitter. Criteria: GeneDx Variant Classification Process June 2021. Collection method: clinical testing. Allele origin: germline. Affected: yes.
Comment: Not observed at significant frequency in large population cohorts (gnomAD); In silico analysis indicates that this missense variant does not alter protein structure/function; Has not been previously published as pathogenic or benign to our knowledge; This variant is associated with the following publications: (PMID: 18199528)

Ambry Genetics
Classification: Uncertain significance for Hereditary cancer-predisposing syndrome. Last evaluated: 2021-12-01. Review status: criteria provided, single submitter. Criteria: Ambry Variant Classification Scheme 2023. Collection method: clinical testing. Allele origin: germline.
Comment: The p.K2819E variant (also known as c.8455A>G), located in coding exon 15 of the APC gene, results from an A to G substitution at nucleotide position 8455. The lysine at codon 2819 is replaced by glutamic acid, an amino acid with similar properties. This amino acid position is highly conserved in available vertebrate species. In addition, in silico predictors for this gene do not accurately predict pathogenicity. Since supporting evidence is limited at this time, the clinical significance of this alteration remains unclear.

NM_000038.6(APC):c.8455A>G (p.Lys2819Glu)

Gene: APC (APC regulator of Wnt signaling pathway; plus strand). Cytogenetic location: 5q22.2.
Variant type: single nucleotide variant.
Coding change: c.8455A>G on transcript NM_000038.6 (MANE Select); coding-DNA position 8455, A replaced by G.
Protein change: p.Lys2819Glu; replaces lysine 2819 with glutamic acid.
Molecular consequence: missense variant.
Genome position (GRCh38, 1-based): chr5:112,844,049, A>G. VCF-style: chr5-112844049-A-G. GRCh37 (hg19) VCF-style: chr5-112179746-A-G.
Other names: c.8401A>G, p.Lys2801Glu (NM_001127511.3); c.8455A>G, p.Lys2819Glu (NM_001354895.2, NM_001127510.3); c.8509A>G, p.Lys2837Glu (NM_001354896.2); c.8332A>G, p.Lys2778Glu (NM_001354900.2); c.8278A>G, p.Lys2760Glu (NM_001354901.2); c.8371A>G, p.Lys2791Glu (NM_001354899.2); c.8485A>G, p.Lys2829Glu (NM_001354897.2); c.8380A>G, p.Lys2794Glu (NM_001354898.2); and 5 more; short protein forms K2794E, K2837E, K2536E, K2659E, K2693E, K2801E, K2819E, K2718E.
Identifiers: ClinVar variation 822454 (VCV000822454.5), dbSNP rs1580693829, ClinGen allele CA16039672.
Genomic context (GRCh38, chr5:112,844,049, plus strand): 5'-TCAGCTCGGCCATCTCAGATCCCAACTCCAGTGAATAACAACACAAAGAAGCGAGATTCC[A>G]AAACTGACAGCACAGAATCCAGTGGAACCCAAAGTCCTAAGCGCCATTCTGGGTCTTACC-3'
Protein context (NP_000029.2, residues 2809-2829): VNNNTKKRDS[Lys2819Glu]TDSTESSGTQ